The following is an entry in ClinVar:

ClinVar aggregate classification (germline): Uncertain significance (1 of 4 stars; one submission).

Submission:

GeneDx
Classification: Uncertain significance. Last evaluated: 2023-09-16. Review status: criteria provided, single submitter. Criteria: GeneDx Variant Classification Process June 2021. Collection method: clinical testing. Allele origin: germline. Affected: yes.
Comment: In silico analysis, which includes protein predictors and evolutionary conservation, supports that this variant does not alter protein structure/function; Has not been previously published as pathogenic or benign to our knowledge

NM_004667.6(HERC2):c.9902_9903inv (p.Thr3301Met)

Gene: HERC2 (HECT and RLD domain containing E3 ubiquitin protein ligase 2; minus strand). Cytogenetic location: 15q13.1.
Variant type: Inversion.
Coding change: c.9902_9903inv on transcript NM_004667.6 (MANE Select).
Protein change: p.Thr3301Met; replaces threonine 3301 with methionine.
Molecular consequence: missense variant.
Genome position: GRCh38 VCF-style: chr15-28174549-TG-CA. GRCh37 (hg19) VCF-style: chr15-28419695-TG-CA.
Other names: short protein forms T3301M.
Identifiers: ClinVar variation 1316932 (VCV001316932.4), ClinGen allele CA2573053980.